The following is an entry in ClinVar:

NM_004369.4(COL6A3):c.6220G>T (p.Gly2074Cys)

Gene: COL6A3 (collagen type VI alpha 3 chain; minus strand). Cytogenetic location: 2q37.3.
Variant type: single nucleotide variant.
Coding change: c.6220G>T on transcript NM_004369.4 (MANE Select); coding-DNA position 6220, G replaced by T.
Protein change: p.Gly2074Cys; replaces glycine 2074 with cysteine.
Molecular consequence: missense variant.
Genome position (GRCh38, 1-based): chr2:237,360,150, C>A on the plus strand (G>T on the coding strand, the complement: COL6A3 is on the minus strand). VCF-style: chr2-237360150-C-A. GRCh37 (hg19) VCF-style: chr2-238268793-C-A.
Other names: c.4399G>T, p.Gly1467Cys (NM_057166.5); c.5602G>T, p.Gly1868Cys (NM_057167.4); short protein forms G1467C, G1868C, G2074C.
Identifiers: ClinVar variation 4291946 (VCV004291946.1).

ClinVar aggregate classification (germline): Likely pathogenic (1 of 4 stars; one submission).

Conditions:
COL6A3-related disorder. Also called: COL6A3-related condition; COL6A3-related disorders.

Submission:

3billion
Classification: Likely pathogenic for COL6A3-related disorder. Last evaluated: 2025-01-06. Review status: criteria provided, single submitter. Criteria: ACMG Guidelines, 2015. Collection method: clinical testing. Allele origin: germline. Affected: yes.
Comment: The variant is not observed in the gnomAD v4.1.0 dataset. Predicted Consequence/Location: Missense variant. The majority of the known disease-causing variants of this gene are variants expected to result in premature termination of the protein. In silico tool predictions suggest damaging effect of the variant on gene or gene product [REVEL: 0.88 (>=0.6, sensitivity 0.68 and specificity 0.92); 3Cnet: 0.97 (>=0.6, sensitivity 0.72 and precision 0.9)]. The same nucleotide change resulting in the same amino acid change has been previously reported to be associated with COL6A3-related disorder (PMID: 20976770).Different missense changes at the same codon (p.Gly2074Asp, p.Gly2074Ser) have been reported as pathogenic/likely pathogenic with strong evidence (ClinVar ID: VCV000289755, VCV002203291 /PMID: 18825676, 32528171). Therefore, this variant is classified as Likely pathogenic according to the recommendation of ACMG/AMP guideline.

Literature cited by the submitters: PubMed 18825676; PubMed 20976770.